The following is an entry in ClinVar:

ClinVar aggregate classification (germline): Uncertain significance (1 of 4 stars; one submission).

Submission:

Labcorp Genetics (formerly Invitae), Labcorp
Classification: Uncertain significance. Last evaluated: 2021-12-09. Review status: criteria provided, single submitter. Criteria: Invitae Variant Classification Sherloc (09022015). Collection method: clinical testing. Allele origin: germline.
Comment: A gross deletion of the genomic region encompassing the full coding sequence of the SHPK gene has been identified. The current clinical and genetic evidence is not sufficient to establish whether loss-of-function variants in SHPK cause disease. The boundaries of this event are unknown as they extend beyond the assayed region for this gene and therefore may encompass additional genes. This variant has not been reported in the literature in individuals affected with SHPK-related conditions. In summary, the available evidence is currently insufficient to determine the role of this variant in disease. Therefore, it has been classified as a Variant of Uncertain Significance.

NC_000017.10:g.(?_3513854)_(3561559_?)del

Genes: CTNS (cystinosin, lysosomal cystine transporter; plus strand), SHPK (sedoheptulokinase; minus strand). Cytogenetic location: 17p13.2.
Variant type: Deletion.
Identifiers: ClinVar variation 1411750 (VCV001411750.1).